The following is an entry in ClinVar:

ClinVar aggregate classification (germline): Uncertain significance (1 of 4 stars; one submission).

Submission:

GeneDx
Classification: Uncertain significance. Last evaluated: 2025-04-22. Review status: criteria provided, single submitter. Criteria: GeneDx Variant Classification Process June 2021. Collection method: clinical testing. Allele origin: germline. Affected: yes.
Comment: Not observed at significant frequency in large population cohorts (gnomAD); In silico analysis indicates that this missense variant does not alter protein structure/function; Has not been previously published as pathogenic or benign to our knowledge

NM_001080517.3(SETD5):c.1964G>A (p.Ser655Asn)

Gene: SETD5 (SET domain containing 5; plus strand). Cytogenetic location: 3p25.3.
Variant type: single nucleotide variant.
Coding change: c.1964G>A on transcript NM_001080517.3 (MANE Select); coding-DNA position 1964, G replaced by A.
Protein change: p.Ser655Asn; replaces serine 655 with asparagine.
Molecular consequence: missense variant.
Genome position (GRCh38, 1-based): chr3:9,447,867, G>A. VCF-style: chr3-9447867-G-A. GRCh37 (hg19) VCF-style: chr3-9489551-G-A.
Other names: c.1670G>A, p.Ser557Asn (NM_001292043.2, NM_001349451.2); c.2060G>A, p.Ser687Asn (NM_001437633.1); c.2021G>A, p.Ser674Asn (NM_001437635.1); c.1964G>A, p.Ser655Asn (NM_001437643.1); c.2003G>A, p.Ser668Asn (NM_001437701.1); short protein forms S557N, S655N, S668N, S674N, S687N.
Identifiers: ClinVar variation 4527568 (VCV004527568.1).
Genomic context (GRCh38, chr3:9,447,867, plus strand): 5'-AGGCCAATGCACAGCAGGCAGAATTGTCACAAGCTGCCTTGGAAGAGGGAGGAAGTAACA[G>A]TTTAGTAACTCCTACTGAAGCTGGAAGTCTAGACAGTTCAGGAGAAAACAGGCCATTAAC-3'
Protein context (NP_001073986.1, residues 645-665): QAALEEGGSN[Ser655Asn]LVTPTEAGSL